The following is an entry in ClinVar:

NM_001282531.3(ADNP):c.2281_2285dup (p.Asp762fs)

Gene: ADNP (activity dependent neuroprotector homeobox; minus strand). Cytogenetic location: 20q13.13.
Variant type: Duplication.
Coding change: c.2281_2285dup on transcript NM_001282531.3 (MANE Select); coding-DNA positions 2281 to 2285, 5 bases duplicated (GATGA; older notation c.2281_2285dupGATGA).
Protein change: p.Asp762fs; shifts the reading frame from aspartic acid 762.
Molecular consequence: frameshift variant.
Genome position (GRCh38, 1-based): chr20:50,892,429-50,892,433, TCATC duplicated on the plus strand (GATGA on the coding strand, the reverse complement: ADNP is on the minus strand); duplicating any 5 consecutive bases within chr20:50,892,429-50,892,434 gives the same sequence; the c. name uses the placement nearest the transcript's 3' end. VCF-style (leftmost placement, unchanged base first): chr20-50892428-A-ATCATC. GRCh37 (hg19) VCF-style: chr20-49508965-A-ATCATC.
Other names: c.2281_2285dup, p.Asp762fs (NM_001282532.2, NM_001347511.2, NM_015339.5 and 1 more transcripts); c.2497_2501dup, p.Asp834fs (NM_001439000.1); c.1597_1601dup, p.Asp534fs (NM_001439001.1); short protein forms D534fs, D762fs, D834fs.
Identifiers: ClinVar variation 4526645 (VCV004526645.1).

ClinVar aggregate classification (germline): Likely pathogenic (1 of 4 stars; one submission).

Conditions:
ADNP-related multiple congenital anomalies - intellectual disability - autism spectrum disorder. Also called: Helsmoortel-Van der Aa Syndrome; ADNP-Related Helsmoortel-Van der Aa Syndrome. Identifiers: Orphanet 404448, MedGen C4014538, MONDO:0014379, OMIM 615873. Disease mechanism: loss of function.

Submission:

Regional Center For Medical Genetics Timis, Louis Turcanu Emergency Hospital for Children Timisoara
Classification: Likely pathogenic for ADNP-related multiple congenital anomalies - intellectual disability - autism spectrum disorder. Last evaluated: 2025-07-16. Review status: criteria provided, single submitter. Criteria: ACMG Guidelines, 2015. Collection method: clinical testing. Allele origin: germline. Affected: yes.
Comment: The variant is absent from the presumed healthy population (gnomAD v4.1.0; good local coverage). It causes a frameshift leading to a premature stop codon and predicted loss of function. Loss-of-function variants in ADNP are an established disease mechanism. The variant is located in the last exon (exon 6), but the truncation is substantial (>10% of the protein) and disrupts a biologically relevant region (the homeodomain), where multiple non-truncating pathogenic variants have been reported. To our knowledge, this variant has not been previously described in the literature. Based on the available evidence, this variant is classified as likely pathogenic.